The following is an entry in ClinVar:

ClinVar aggregate classification (germline): Uncertain significance (1 of 4 stars; one submission).

Submission:

Labcorp Genetics (formerly Invitae), Labcorp
Classification: Uncertain significance. Last evaluated: 2022-08-16. Review status: criteria provided, single submitter. Criteria: Invitae Variant Classification Sherloc (09022015). Collection method: clinical testing. Allele origin: germline.
Comment: This variant is not present in population databases (gnomAD no frequency). This sequence change replaces threonine, which is neutral and polar, with lysine, which is basic and polar, at codon 171 of the NTHL1 protein (p.Thr171Lys). This variant has not been reported in the literature in individuals affected with NTHL1-related conditions. In summary, the available evidence is currently insufficient to determine the role of this variant in disease. Therefore, it has been classified as a Variant of Uncertain Significance. Algorithms developed to predict the effect of missense changes on protein structure and function are either unavailable or do not agree on the potential impact of this missense change (SIFT: "Not Available"; PolyPhen-2: "Benign"; Align-GVGD: "Not Available").

NM_002528.7(NTHL1):c.488C>A (p.Thr163Lys)

Gene: NTHL1 (nth like DNA glycosylase 1; minus strand). Cytogenetic location: 16p13.3.
Variant type: single nucleotide variant.
Coding change: c.488C>A on transcript NM_002528.7 (MANE Select); coding-DNA position 488, C replaced by A.
Protein change: p.Thr163Lys; replaces threonine 163 with lysine.
Molecular consequence: missense variant. On other transcripts: intron variant (1).
Genome position (GRCh38, 1-based): chr16:2,044,667, G>T on the plus strand (C>A on the coding strand, the complement: NTHL1 is on the minus strand). VCF-style: chr16-2044667-G-T. GRCh37 (hg19) VCF-style: chr16-2094668-G-T.
Other names: c.158C>A, p.Thr53Lys (NM_001318194.2); c.355-941C>A (NM_001318193.2); short protein forms T163K, T53K.
Identifiers: ClinVar variation 1716498 (VCV001716498.5), dbSNP rs766136810, ClinGen allele CA394294152.